The following is an entry in ClinVar:

NM_001458.5(FLNC):c.4847A>G (p.Tyr1616Cys)

Gene: FLNC (filamin C; plus strand). Cytogenetic location: 7q32.1.
Variant type: single nucleotide variant.
Coding change: c.4847A>G on transcript NM_001458.5 (MANE Select); coding-DNA position 4847, A replaced by G.
Protein change: p.Tyr1616Cys; replaces tyrosine 1616 with cysteine.
Molecular consequence: missense variant.
Genome position (GRCh38, 1-based): chr7:128,848,902, A>G. VCF-style: chr7-128848902-A-G. GRCh37 (hg19) VCF-style: chr7-128488956-A-G.
Other names: c.4847A>G, p.Tyr1616Cys (NM_001127487.2); short protein forms Y1616C.
Identifiers: ClinVar variation 3372584 (VCV003372584.4).

ClinVar aggregate classification (germline): Uncertain significance. Review status: criteria provided, multiple submitters, no conflicts (2 of 4 stars). 3 submissions from 3 submitters: Uncertain significance (3). Last evaluated 2025-08-28.

Conditions:
Myofibrillar myopathy 5. Also called: Filaminopathy (type); FILAMINOPATHY, AUTOSOMAL DOMINANT. Identifiers: Orphanet 171445, MedGen C1836050, MONDO:0012289, OMIM 609524.
Distal myopathy with posterior leg and anterior hand involvement. Also called: WILLIAMS DISTAL MYOPATHY. Identifiers: Orphanet 63273, MedGen C3279722, MONDO:0013550, OMIM 614065.
Hypertrophic cardiomyopathy 26. Also called: Cardiomyopathy, familial hypertrophic, 26. Identifiers: Orphanet 75249, MedGen C4310749, MONDO:0014883, OMIM 617047.
Cardiovascular phenotype. Identifiers: MedGen CN230736.

Submissions (3):

Ambry Genetics
Classification: Uncertain significance for Cardiovascular phenotype. Last evaluated: 2025-08-28. Review status: criteria provided, single submitter. Criteria: Ambry Variant Classification Scheme 2023. Collection method: clinical testing. Allele origin: germline.
Comment: The p.Y1616C variant (also known as c.4847A>G), located in coding exon 28 of the FLNC gene, results from an A to G substitution at nucleotide position 4847. The tyrosine at codon 1616 is replaced by cysteine, an amino acid with highly dissimilar properties. This amino acid position is conserved. In addition, this alteration is predicted to be deleterious by in silico analysis. Based on the available evidence, the clinical significance of this variant remains unclear.

Labcorp Genetics (formerly Invitae), Labcorp
Classification: Uncertain significance for Distal myopathy with posterior leg and anterior hand involvement; Myofibrillar myopathy 5; Hypertrophic cardiomyopathy 26. Last evaluated: 2024-11-04. Review status: criteria provided, single submitter. Criteria: Invitae Variant Classification Sherloc (09022015). Collection method: clinical testing. Allele origin: germline.
Comment: This sequence change replaces tyrosine, which is neutral and polar, with cysteine, which is neutral and slightly polar, at codon 1616 of the FLNC protein (p.Tyr1616Cys). This variant is not present in population databases (gnomAD no frequency). This variant has not been reported in the literature in individuals affected with FLNC-related conditions. Invitae Evidence Modeling of protein sequence and biophysical properties (such as structural, functional, and spatial information, amino acid conservation, physicochemical variation, residue mobility, and thermodynamic stability) has been performed for this missense variant. However, the output from this modeling did not meet the statistical confidence thresholds required to predict the impact of this variant on FLNC protein function. In summary, the available evidence is currently insufficient to determine the role of this variant in disease. Therefore, it has been classified as a Variant of Uncertain Significance.

GeneDx
Classification: Uncertain significance. Last evaluated: 2024-04-17. Review status: criteria provided, single submitter. Criteria: GeneDx Variant Classification Process June 2021. Collection method: clinical testing. Allele origin: germline. Affected: yes.
Comment: Not observed at significant frequency in large population cohorts (gnomAD); In silico analysis supports that this missense variant has a deleterious effect on protein structure/function; Has not been previously published as pathogenic or benign to our knowledge